The following is an entry in ClinVar:

ClinVar aggregate classification (germline): Likely benign. Review status: criteria provided, multiple submitters, no conflicts (2 of 4 stars). 3 submissions from 3 submitters: Likely benign (2). 1 of the submissions does not count toward it. Last evaluated 2025-11-05.

Conditions:
FG syndrome (FGS). Identifiers: MedGen C0220769, MONDO:0002010.
Familial thoracic aortic aneurysm and aortic dissection (TAAD). Also called: Thoracic aortic aneurysms and dissections. Identifiers: Orphanet 91387, MedGen C4707243, MONDO:0019625.
MED12-Related Disorders. Also called: MED12-related condition; MED12-related disorder. Identifiers: MedGen CN381102.

Allele frequency attached by ClinVar (database versions not stated): gnomAD exomes 0.00001 and 0.00003; ExAC 0.00003; gnomAD 0.00009 and 0.00010; TOPMed 0.00014; ESP Exome Variant Server 0.00040.

Submissions (3):

Labcorp Genetics (formerly Invitae), Labcorp
Classification: Likely benign for FG syndrome. Last evaluated: 2025-11-05. Review status: criteria provided, single submitter. Criteria: Invitae Variant Classification Sherloc (09022015). Collection method: clinical testing. Allele origin: germline.

Ambry Genetics
Classification: Likely benign for Familial thoracic aortic aneurysm and aortic dissection. Last evaluated: 2025-09-29. Review status: criteria provided, single submitter. Criteria: Ambry Variant Classification Scheme 2023. Collection method: clinical testing. Allele origin: germline.

PreventionGenetics, part of Exact Sciences
Classification: Likely benign for MED12-related condition. Last evaluated: 2024-06-12. Review status: no assertion criteria provided. Collection method: clinical testing. Allele origin: germline. Not counted in ClinVar's aggregate classification.
Comment: This variant is classified as likely benign based on ACMG/AMP sequence variant interpretation guidelines (Richards et al. 2015 PMID: 25741868, with internal and published modifications).

NM_005120.3(MED12):c.5617A>G (p.Thr1873Ala)

Gene: MED12 (mediator complex subunit 12; plus strand). Cytogenetic location: Xq13.1.
Variant type: single nucleotide variant.
Coding change: c.5617A>G on transcript NM_005120.3 (MANE Select); coding-DNA position 5617, A replaced by G.
Protein change: p.Thr1873Ala; replaces threonine 1873 with alanine.
Molecular consequence: missense variant.
Genome position (GRCh38, 1-based): chrX:71,137,252, A>G. VCF-style: chrX-71137252-A-G. GRCh37 (hg19) VCF-style: chrX-70357102-A-G.
Other names: short protein forms T1873A.
Identifiers: ClinVar variation 963592 (VCV000963592.14), dbSNP rs372326268, ClinGen allele CA10444812.
Genomic context (GRCh38, chrX:71,137,252, plus strand): 5'-CCTCGTGTGGACCCATACCGTCCTGTGCGCTTACCAATGCAGAAGCTGCCCACCCGACCA[A>G]CTTACCCTGGAGTGCTGCCCACAACCATGACTGGCGTCATGGGTTTAGAACCCTCCTCTT-3'
Protein context (NP_005111.2, residues 1863-1883): LPMQKLPTRP[Thr1873Ala]YPGVLPTTMT